The following is an entry in ClinVar:

ClinVar aggregate classification (germline): Pathogenic (1 of 4 stars; one submission).

Submission:

Labcorp Genetics (formerly Invitae), Labcorp
Classification: Pathogenic. Last evaluated: 2022-11-11. Review status: criteria provided, single submitter. Criteria: Invitae Variant Classification Sherloc (09022015). Collection method: clinical testing. Allele origin: germline.
Comment: This sequence change creates a premature translational stop signal (p.Cys457*) in the CHD5 gene. It is expected to result in an absent or disrupted protein product. Loss-of-function variants in CHD5 are known to be pathogenic (PMID: 33944996). This variant is not present in population databases (gnomAD no frequency). This variant has not been reported in the literature in individuals affected with CHD5-related conditions. For these reasons, this variant has been classified as Pathogenic.

Literature cited by the submitters: PubMed 33944996.

NM_015557.3(CHD5):c.1370_1371insAG (p.Cys457Ter)

Gene: CHD5 (chromodomain helicase DNA binding protein 5; minus strand). Cytogenetic location: 1p36.31.
Variant type: Insertion.
Coding change: c.1370_1371insAG on transcript NM_015557.3 (MANE Select); coding-DNA positions 1370 to 1371, AG inserted.
Protein change: p.Cys457Ter; replaces cysteine 457 with a stop codon.
Molecular consequence: nonsense.
Genome position: GRCh38 VCF-style: chr1-6148866-G-GCT. GRCh37 (hg19) VCF-style: chr1-6208926-G-GCT.
Other names: short protein forms C457*.
Identifiers: ClinVar variation 2181026 (VCV002181026.4), dbSNP rs2525426371, ClinGen allele CA2580062538.
Genomic context (GRCh38, chr1:6,148,866, plus strand): 5'-TCCTGGGGTGGGGCGGGGCGTCCGGCGCGGGGCGGGCGGAACACTCACAGTACAGCGCGG[G>GCT]CAGAGCCATTCACCGTTTGGGATCTCGGGCAGCGGCGGGTTGAGGCAATGCAGGTGGTAG-3'